The following is an entry in ClinVar:

ClinVar aggregate classification (germline): Benign (1 of 4 stars; one submission).

Conditions:
Juvenile polyposis/hereditary hemorrhagic telangiectasia syndrome (JPHT). Also called: JP/HHT SYNDROME; JUVENILE POLYPOSIS WITH HEREDITARY HEMORRHAGIC TELANGIECTASIA; POLYPOSIS, GENERALIZED JUVENILE, WITH PULMONARY ARTERIOVENOUS MALFORMATION; TELANGIECTASIA, HEREDITARY HEMORRHAGIC, WITH JUVENILE POLYPOSIS COLI; Juvenile Polyposis Syndrome / Hereditary Hemorrhagic Telangiectasia (JPS/HHT). Identifiers: Orphanet 2929, MedGen C1832942, MONDO:0008278, OMIM 175050.

Submission:

Myriad Genetics, Inc.
Classification: Benign for Juvenile polyposis/hereditary hemorrhagic telangiectasia syndrome. Last evaluated: 2025-03-19. Review status: criteria provided, single submitter. Criteria: Myriad Autosomal Dominant, Autosomal Recessive and X-Linked Classification Criteria (2023). Collection method: clinical testing. Allele origin: unknown.
Comment: This variant is considered benign. This variant is a silent/synonymous amino acid change and it is not expected to impact splicing.

NM_005359.6(SMAD4):c.636C>G (p.Ala212=)

Gene: SMAD4 (SMAD family member 4; plus strand). Cytogenetic location: 18q21.2.
Variant type: single nucleotide variant.
Coding change: c.636C>G on transcript NM_005359.6 (MANE Select); coding-DNA position 636, C replaced by G.
Protein change: p.Ala212=; no amino-acid change (alanine 212 retained).
Molecular consequence: synonymous variant. On other transcripts: non-coding transcript variant (2).
Genome position (GRCh38, 1-based): chr18:51,054,962, C>G. VCF-style: chr18-51054962-C-G. GRCh37 (hg19) VCF-style: chr18-48581332-C-G.
Other names: c.636C>G, p.Ala212= (NM_001407041.1, NM_001407042.1, NM_001407043.1).
Identifiers: ClinVar variation 3903994 (VCV003903994.1).